The following is an entry in ClinVar:

ClinVar aggregate classification (germline): Uncertain significance. Review status: criteria provided, multiple submitters, no conflicts (2 of 4 stars). 2 submissions from 2 submitters: Uncertain significance (2). Last evaluated 2021-08-27.

Allele frequency attached by ClinVar (database versions not stated): gnomAD exomes 0.00001; gnomAD 0.00001; TOPMed 0.00002.
gnomAD v4.1: 5 of 1,613,374 alleles (0.00031%); highest among the groups gnomAD compares: Admixed American, 0.0084%; no homozygotes.

Submissions (2):

Labcorp Genetics (formerly Invitae), Labcorp
Classification: Uncertain significance. Last evaluated: 2021-08-27. Review status: criteria provided, single submitter. Criteria: Invitae Variant Classification Sherloc (09022015). Collection method: clinical testing. Allele origin: germline.
Comment: This sequence change replaces asparagine with serine at codon 170 of the CLRN1 protein (p.Asn170Ser). The asparagine residue is highly conserved and there is a small physicochemical difference between asparagine and serine. This variant is not present in population databases (ExAC no frequency). This variant has not been reported in the literature in individuals affected with CLRN1-related conditions. Algorithms developed to predict the effect of missense changes on protein structure and function (SIFT, PolyPhen-2, Align-GVGD) all suggest that this variant is likely to be disruptive. In summary, the available evidence is currently insufficient to determine the role of this variant in disease. Therefore, it has been classified as a Variant of Uncertain Significance.

GeneDx
Classification: Uncertain significance. Last evaluated: 2021-04-19. Review status: criteria provided, single submitter. Criteria: GeneDx Variant Classification Process June 2021. Collection method: clinical testing. Allele origin: germline. Affected: yes.
Comment: In silico analysis supports that this missense variant has a deleterious effect on protein structure/function; Has not been previously published as pathogenic or benign to our knowledge

NM_174878.3(CLRN1):c.509A>G (p.Asn170Ser)

Gene: CLRN1 (clarin 1; minus strand). Cytogenetic location: 3q25.1.
Variant type: single nucleotide variant.
Coding change: c.509A>G on transcript NM_174878.3 (MANE Select); coding-DNA position 509, A replaced by G.
Protein change: p.Asn170Ser; replaces asparagine 170 with serine.
Molecular consequence: missense variant. On other transcripts: 3 prime UTR variant (1), non-coding transcript variant (1).
Genome position (GRCh38, 1-based): chr3:150,928,126, T>C on the plus strand (A>G on the coding strand, the complement: CLRN1 is on the minus strand). VCF-style: chr3-150928126-T-C. GRCh37 (hg19) VCF-style: chr3-150645913-T-C.
Other names: c.548A>G, p.Asn183Ser (NM_001195794.1); c.*123A>G (NM_001256819.2); c.281A>G, p.Asn94Ser (NM_052995.2); short protein forms N170S, N183S, N94S.
Identifiers: ClinVar variation 1314822 (VCV001314822.6), dbSNP rs894160375, ClinGen allele CA85680917.
Genomic context (GRCh38, chr3:150,928,126, plus strand): 5'-CAGAATGAGGTGGTATATTTTTCACTTTGCGTTTTGTAGACATAAGTCCCTTCTTTATAA[T>C]TTGCAATTTTTTCTGAGAGGTGATGGATTTTCACTTCAGAGGCAAACAATATCATGACAA-3'
Protein context (NP_777367.1, residues 160-180): KIHHLSEKIA[Asn170Ser]YKEGTYVYKT